The following is an entry in ClinVar:

ClinVar aggregate classification (germline): Uncertain significance (1 of 4 stars; one submission).

Submission:

GeneDx
Classification: Uncertain significance. Last evaluated: 2026-03-06. Review status: criteria provided, single submitter. Criteria: GeneDx Variant Classification Process June 2021. Collection method: clinical testing. Allele origin: germline.
Comment: Not observed at significant frequency in large population cohorts (gnomAD); In-frame deletion of 1 amino acid(s) in a non-repeat region; In silico analysis supports a deleterious effect on protein structure/function; Has not been previously published as pathogenic or benign to our knowledge

NM_001098511.3(KIF2A):c.1913AAG[2] (p.Glu640del)

Gene: KIF2A (kinesin family member 2A; plus strand). Cytogenetic location: 5q12.1.
Variant type: Microsatellite.
Coding change: c.1913AAG[2] on transcript NM_001098511.3 (MANE Select); two copies in a row of the 3-base unit AAG starting at c.1913; the reference has three copies in a row; one copy, 3 bases deleted.
Protein change: p.Glu640del; deletes glutamic acid 640.
Molecular consequence: inframe deletion.
Genome position (GRCh38, 1-based): chr5:62,377,668-62,377,670, AAG deleted; deleting any 3 consecutive bases within chr5:62,377,661-62,377,670 gives the same sequence; the position shown is the placement nearest the transcript's 3' end. VCF-style (leftmost placement, unchanged base first): chr5-62377660-GGAA-G. GRCh37 (hg19) VCF-style: chr5-61673487-GGAA-G.
Other names: c.1718AAG[2], p.Glu575del (NM_001243952.2); c.1742AAG[2], p.Glu583del (NM_001243953.2); c.1799AAG[2], p.Glu602del (NM_004520.5); short protein forms E575del, E583del, E602del, E640del.
Identifiers: ClinVar variation 5008645 (VCV005008645.1).